The following is an entry in ClinVar:

ClinVar aggregate classification (germline): Likely benign. Review status: reviewed by expert panel (3 of 4 stars). 3 submissions from 3 submitters: Likely benign (1). 2 of the submissions do not count toward it. Last evaluated 2017-06-29.

Conditions:
Hereditary breast ovarian cancer syndrome. Also called: Hereditary breast and ovarian cancer; Breast and ovarian cancer; BRCA1- and BRCA2-Associated Hereditary Breast and Ovarian Cancer; Hereditary breast and ovarian cancer syndrome; Hereditary breast and ovarian cancer syndrome (HBOC); Hereditary breast and/or ovarian cancer syndrome. Identifiers: Orphanet 145, MedGen C0677776, MeSH D061325, MONDO:0003582. Disease mechanism: loss of function.
Hereditary cancer-predisposing syndrome. Also called: Tumor predisposition; Hereditary Cancer Syndrome; Hereditary neoplastic syndrome; Neoplastic Syndromes, Hereditary. Identifiers: Orphanet 140162, MedGen C0027672, MeSH D009386, MONDO:0015356.
Breast-ovarian cancer, familial, susceptibility to, 2 (BROVCA2). Also called: BRCA2 Hereditary Breast and Ovarian Cancer. Identifiers: Orphanet 145, MedGen C2675520, MONDO:0012933, OMIM 612555. Disease mechanism: loss of function.

Submissions (3):

Evidence-based Network for the Interpretation of Germline Mutant Alleles (ENIGMA)
Classification: Likely benign for Breast-ovarian cancer, familial, susceptibility to, 2. Last evaluated: 2017-06-29. Review status: reviewed by expert panel. Criteria: ENIGMA BRCA1/2 Classification Criteria (2017-06-29). Collection method: curation. Allele origin: germline.
Comment: Synonymous substitution variant, with low bioinformatic likelihood to result in a splicing aberration (Splicing prior probability 0.02).

Ambry Genetics
Classification: Likely benign for Hereditary cancer-predisposing syndrome. Last evaluated: 2018-12-27. Review status: criteria provided, single submitter. Criteria: Ambry Variant Classification Scheme 2023. Collection method: clinical testing. Allele origin: germline. Not counted in ClinVar's aggregate classification.

Labcorp Genetics (formerly Invitae), Labcorp
Classification: Likely benign for Hereditary breast ovarian cancer syndrome. Last evaluated: 2017-05-12. Review status: criteria provided, single submitter. Criteria: Invitae Variant Classification Sherloc (09022015). Collection method: clinical testing. Allele origin: germline. Not counted in ClinVar's aggregate classification.

NM_000059.4(BRCA2):c.3927T>C (p.Ile1309=)

Gene: BRCA2 (BRCA2 DNA repair associated; plus strand). Cytogenetic location: 13q13.1.
Variant type: single nucleotide variant.
Coding change: c.3927T>C on transcript NM_000059.4 (MANE Select); coding-DNA position 3927, T replaced by C.
Protein change: p.Ile1309=; no amino-acid change (isoleucine 1309 retained).
Molecular consequence: synonymous variant.
Genome position (GRCh38, 1-based): chr13:32,338,282, T>C. VCF-style: chr13-32338282-T-C. GRCh37 (hg19) VCF-style: chr13-32912419-T-C.
Identifiers: ClinVar variation 236858 (VCV000236858.15), dbSNP rs878853576, ClinGen allele CA10583096.